The following is an entry in ClinVar:

NM_001084.5(PLOD3):c.1179C>T (p.Ala393=)

Gene: PLOD3 (procollagen-lysine,2-oxoglutarate 5-dioxygenase 3; minus strand). Cytogenetic location: 7q22.1.
Variant type: single nucleotide variant.
Coding change: c.1179C>T on transcript NM_001084.5 (MANE Select); coding-DNA position 1179, C replaced by T.
Protein change: p.Ala393=; no amino-acid change (alanine 393 retained).
Molecular consequence: synonymous variant.
Genome position (GRCh38, 1-based): chr7:101,211,899, G>A on the plus strand (C>T on the coding strand, the complement: PLOD3 is on the minus strand). VCF-style: chr7-101211899-G-A. GRCh37 (hg19) VCF-style: chr7-100855180-G-A.
Identifiers: ClinVar variation 440177 (VCV000440177.45), dbSNP rs11546152, ClinGen allele CA4407808.

ClinVar aggregate classification (germline): Benign. Review status: criteria provided, multiple submitters, no conflicts (2 of 4 stars). 4 submissions from 4 submitters: Benign (4). Last evaluated 2026-09-01.

Conditions:
Bone fragility with contractures, arterial rupture, and deafness. Also called: LH3 DEFICIENCY; LYSYL HYDROXYLASE 3 DEFICIENCY; BCARD SYNDROME; BONE ABNORMALITIES, CATARACT, ARTERIAL RUPTURE, AND DEAFNESS. Identifiers: Orphanet 300284, MedGen C2676285, MONDO:0012892, OMIM 612394.

Allele frequency attached by ClinVar (database versions not stated): 1000 Genomes Project 30x 0.00312; 1000 Genomes Project 0.00359; gnomAD exomes 0.00689 and 0.01212; gnomAD 0.00738 and 0.00779; ExAC 0.00795; TOPMed 0.00808; ESP Exome Variant Server 0.00869.
gnomAD v4.1: 18,799 of 1,611,948 alleles (1.2%); highest among the groups gnomAD compares: Non-Finnish European, 1.4%; 159 homozygotes.

Submissions (4):

CeGaT Center for Human Genetics Tuebingen
Classification: Benign. Last evaluated: 2026-09-01. Review status: criteria provided, single submitter. Criteria: CeGaT Center For Human Genetics Tuebingen Variant Classification Criteria Version 2. Collection method: clinical testing. Allele origin: germline. Affected: yes. Observed: 10 variant alleles.
Comment: PLOD3: BP4, BP7, BS1, BS2

Labcorp Genetics (formerly Invitae), Labcorp
Classification: Benign. Last evaluated: 2026-02-03. Review status: criteria provided, single submitter. Criteria: Invitae Variant Classification Sherloc (09022015). Collection method: clinical testing. Allele origin: germline.

ARUP Laboratories, Molecular Genetics and Genomics, ARUP Laboratories
Classification: Benign for Bone fragility with contractures, arterial rupture, and deafness. Last evaluated: 2023-10-06. Review status: criteria provided, single submitter. Criteria: ARUP Molecular Germline Variant Investigation Process 2024. Collection method: clinical testing. Allele origin: germline.

Breakthrough Genomics
Classification: Benign. Review status: criteria provided, single submitter. Criteria: ACMG Guidelines, 2015. Collection method: not provided. Allele origin: germline. Inheritance: Autosomal recessive inheritance. Affected: yes.